The following is an entry in ClinVar:

NM_182643.3(DLC1):c.1991C>G (p.Thr664Arg)

Gene: DLC1 (DLC1 Rho GTPase activating protein; minus strand). Cytogenetic location: 8p22.
Variant type: single nucleotide variant.
Coding change: c.1991C>G on transcript NM_182643.3 (MANE Select); coding-DNA position 1991, C replaced by G.
Protein change: p.Thr664Arg; replaces threonine 664 with arginine.
Molecular consequence: missense variant.
Genome position (GRCh38, 1-based): chr8:13,100,346, G>C on the plus strand (C>G on the coding strand, the complement: DLC1 is on the minus strand). VCF-style: chr8-13100346-G-C. GRCh37 (hg19) VCF-style: chr8-12957855-G-C.
Other names: c.458C>G, p.Thr153Arg (NM_001164271.2, NM_001348082.2, NM_001348083.1 and 6 more transcripts); c.782C>G, p.Thr261Arg (NM_001316668.2, NM_001413129.1); c.1991C>G, p.Thr664Arg (NM_001348081.2, NM_001413124.1); c.773C>G, p.Thr258Arg (NM_001413130.1); c.431C>G, p.Thr144Arg (NM_001413131.1, NM_001413137.1); c.917C>G, p.Thr306Arg (NM_001413132.1); c.680C>G, p.Thr227Arg (NM_001413135.1, NM_001413136.1, NM_001413139.1 and 1 more transcripts); c.815C>G, p.Thr272Arg (NM_001413140.1); short protein forms T153R, T306R, T227R, T272R, T144R, T258R, T261R, T664R.
Identifiers: ClinVar variation 3700246 (VCV003700246.2).

ClinVar aggregate classification (germline): Uncertain significance (1 of 4 stars; one submission).

Submission:

Labcorp Genetics (formerly Invitae), Labcorp
Classification: Uncertain significance. Last evaluated: 2024-06-28. Review status: criteria provided, single submitter. Criteria: Invitae Variant Classification Sherloc (09022015). Collection method: clinical testing. Allele origin: germline.
Comment: This sequence change replaces threonine, which is neutral and polar, with arginine, which is basic and polar, at codon 664 of the DLC1 protein (p.Thr664Arg). This variant is not present in population databases (gnomAD no frequency). This variant has not been reported in the literature in individuals affected with DLC1-related conditions. An algorithm developed to predict the effect of missense changes on protein structure and function (PolyPhen-2) suggests that this variant is likely to be disruptive. In summary, the available evidence is currently insufficient to determine the role of this variant in disease. Therefore, it has been classified as a Variant of Uncertain Significance.